The following is an entry in ClinVar:

NM_001364905.1(LRBA):c.1062T>C (p.Asn354=)

Gene: LRBA (LPS responsive beige-like anchor protein; minus strand). Cytogenetic location: 4q31.3.
Variant type: single nucleotide variant.
Coding change: c.1062T>C on transcript NM_001364905.1 (MANE Select); coding-DNA position 1062, T replaced by C.
Protein change: p.Asn354=; no amino-acid change (asparagine 354 retained).
Molecular consequence: synonymous variant.
Genome position (GRCh38, 1-based): chr4:150,914,294, A>G on the plus strand (T>C on the coding strand, the complement: LRBA is on the minus strand). VCF-style: chr4-150914294-A-G. GRCh37 (hg19) VCF-style: chr4-151835446-A-G.
Other names: p.Asn354=; c.1062T>C, p.Asn354= (NM_001199282.3, NM_001367550.1, NM_006726.5).
Identifiers: ClinVar variation 1088186 (VCV001088186.10), dbSNP rs1265808219, ClinGen allele CA441762166.

ClinVar aggregate classification (germline): Likely benign. Review status: criteria provided, multiple submitters, no conflicts (2 of 4 stars). 2 submissions from 2 submitters: Likely benign (2). Last evaluated 2025-11-02.

Conditions:
Combined immunodeficiency due to LRBA deficiency. Also called: Common variable immunodeficiency 8, with autoimmunity. Identifiers: Orphanet 445018, MedGen C3553512, MONDO:0013863, OMIM 614700.

Allele frequency attached by ClinVar (database versions not stated): gnomAD exomes 0.00002 and 0.00008; gnomAD 0.00003 and 0.00004.
gnomAD v4.1: 123 of 1,600,106 alleles (0.0077%); highest among the groups gnomAD compares: Non-Finnish European, 0.01%; no homozygotes.

Submissions (2):

Labcorp Genetics (formerly Invitae), Labcorp
Classification: Likely benign for Combined immunodeficiency due to LRBA deficiency. Last evaluated: 2025-11-02. Review status: criteria provided, single submitter. Criteria: Invitae Variant Classification Sherloc (09022015). Collection method: clinical testing. Allele origin: germline.

Mayo Clinic Laboratories, Mayo Clinic
Classification: Likely benign. Last evaluated: 2025-02-18. Review status: criteria provided, single submitter. Criteria: ACMG Guidelines, 2015. Collection method: clinical testing. Allele origin: germline. Observed: 1 variant allele.
Comment: BP4, BP7